The following is an entry in ClinVar:

NM_053025.4(MYLK):c.5715_5720dup (p.Glu1910_Glu1911insGlyGlu)

Genes: MYLK (myosin light chain kinase; minus strand), MYLK-AS1 (MYLK antisense RNA 1; plus strand). Cytogenetic location: 3q21.1.
Variant type: Duplication.
Coding change: c.5715_5720dup on transcript NM_053025.4 (MANE Select); coding-DNA positions 5715 to 5720, 6 bases duplicated (TGAAGG; older notation c.5715_5720dupTGAAGG).
Protein change: p.Glu1910_Glu1911insGlyGlu.
Genome position (GRCh38, 1-based): chr3:123,614,130-123,614,135, CCTTCA duplicated on the plus strand (TGAAGG on the coding strand, the reverse complement: MYLK is on the minus strand); duplicating any 6 consecutive bases within chr3:123,614,130-123,614,140 gives the same sequence; the c. name uses the placement nearest the transcript's 3' end. VCF-style (leftmost placement, unchanged base first): chr3-123614129-C-CCCTTCA. GRCh37 (hg19) VCF-style: chr3-123332976-C-CCCTTCA.
Other names: c.5187_5192dup, p.Glu1734_Glu1735insGlyGlu (NM_001321309.2); c.5508_5513dup, p.Glu1841_Glu1842insGlyGlu (NM_053026.4); c.5562_5567dup, p.Glu1859_Glu1860insGlyGlu (NM_053027.4); c.5355_5360dup, p.Glu1790_Glu1791insGlyGlu (NM_053028.4); c.432_437dup, p.Glu149_Glu150insGlyGlu (NM_053031.4); c.435_440dup, p.Glu150_Glu151insGlyGlu (NM_053032.4).
Identifiers: ClinVar variation 3401078 (VCV003401078.1).
Genomic context (GRCh38, chr3:123,614,129, plus strand): 5'-AATATGACTTAGAAACTGCTTTTCTCTGGCTTTGTTTCACTCTTCTTCCTCTTCCCCTTC[C>CCCTTCA]CCTTCACCTTCCTCCATCGTTTCCACAATGAGCTCTGCTGTGCAGGTGGCTTCTCCAAGA-3'

ClinVar aggregate classification (germline): Uncertain significance (1 of 4 stars; one submission).

Conditions:
Familial thoracic aortic aneurysm and aortic dissection (TAAD). Also called: Thoracic aortic aneurysms and dissections. Identifiers: Orphanet 91387, MedGen C4707243, MONDO:0019625.

Submission:

Ambry Genetics
Classification: Uncertain significance for Familial thoracic aortic aneurysm and aortic dissection. Last evaluated: 2024-11-04. Review status: criteria provided, single submitter. Criteria: Ambry Variant Classification Scheme 2023. Collection method: clinical testing. Allele origin: germline.
Comment: The c.5715_5720dupTGAAGG variant (also known as p.G1909_E1910dup), located in coding exon 31 of the MYLK gene, results from an in-frame duplication of TGAAGG at nucleotide positions 5715 to 5720. This results in the duplication of 2 extra residues (GE) between codons 1910 and 1911. This amino acid region is not well conserved in available vertebrate species. In addition, this alteration is predicted to be neutral by in silico analysis (Choi Y et al. PLoS ONE. 2012; 7(10):e46688). Since supporting evidence is limited at this time, the clinical significance of this alteration remains unclear.